The following is an entry in ClinVar:

ClinVar aggregate classification (germline): Likely benign. Review status: criteria provided, multiple submitters, no conflicts (2 of 4 stars). 3 submissions from 3 submitters: Likely benign (2). 1 of the submissions does not count toward it. Last evaluated 2026-01-19.

Conditions:
COL18A1-related disorder. Also called: COL18A1-related disorders; COL18A1-related condition.

Allele frequency attached by ClinVar (database versions not stated): gnomAD 0.00001; TOPMed 0.00002; gnomAD exomes 0.00007; ExAC 0.00020.
gnomAD v4.1: 14 of 1,548,704 alleles (0.0009%); highest among the groups gnomAD compares: Admixed American, 0.024%; no homozygotes.

Submissions (3):

Labcorp Genetics (formerly Invitae), Labcorp
Classification: Likely benign. Last evaluated: 2026-01-19. Review status: criteria provided, single submitter. Criteria: Invitae Variant Classification Sherloc (09022015). Collection method: clinical testing. Allele origin: germline.

Blueprint Genetics
Classification: Likely benign. Last evaluated: 2022-11-03. Review status: criteria provided, single submitter. Criteria: ACMG Guidelines, 2015. Collection method: clinical testing. Allele origin: germline.

PreventionGenetics, part of Exact Sciences
Classification: Likely benign for COL18A1-related condition. Last evaluated: 2022-12-02. Review status: no assertion criteria provided. Collection method: clinical testing. Allele origin: germline. Not counted in ClinVar's aggregate classification.
Comment: This variant is classified as likely benign based on ACMG/AMP sequence variant interpretation guidelines (Richards et al. 2015 PMID: 25741868, with internal and published modifications).

NM_001379500.1(COL18A1):c.1200C>A (p.Thr400=)

Gene: COL18A1 (collagen type XVIII alpha 1 chain; plus strand). Cytogenetic location: 21q22.3.
Variant type: single nucleotide variant.
Coding change: c.1200C>A on transcript NM_001379500.1 (MANE Select); coding-DNA position 1200, C replaced by A.
Protein change: p.Thr400=; no amino-acid change (threonine 400 retained).
Molecular consequence: synonymous variant.
Genome position (GRCh38, 1-based): chr21:45,477,944, C>A. VCF-style: chr21-45477944-C-A. GRCh37 (hg19) VCF-style: chr21-46897858-C-A.
Other names: c.1740C>A (NM_030582.3); c.1740C>A, p.Thr580= (NM_030582.4); c.2445C>A, p.Thr815= (NM_130444.3).
Identifiers: ClinVar variation 1564659 (VCV001564659.11), dbSNP rs779596548, ClinGen allele CA10066097.